The following is an entry in ClinVar:

NM_000548.5(TSC2):c.3610+266C>T

Gene: TSC2 (TSC complex subunit 2; plus strand). Cytogenetic location: 16p13.3.
Variant type: single nucleotide variant.
Coding change: c.3610+266C>T on transcript NM_000548.5 (MANE Select); 266 bases into the intron after coding-DNA position 3610, C replaced by T.
Molecular consequence: intron variant.
Genome position (GRCh38, 1-based): chr16:2,080,643, C>T. VCF-style: chr16-2080643-C-T. GRCh37 (hg19) VCF-style: chr16-2130644-C-T.
Other names: c.3610+266C>T (NM_001114382.3); c.3481+266C>T (NM_021055.3, NM_001370405.1, NM_001363528.2); c.3478+266C>T (NM_001370404.1, NM_001077183.3); c.3370+266C>T (NM_001318827.2); c.2878+266C>T (NM_001318831.2); c.3334+266C>T (NM_001318829.2); c.3511+266C>T (NM_001318832.2).
Identifiers: ClinVar variation 671569 (VCV000671569.1), dbSNP rs184695141, ClinGen allele CA276747702.

ClinVar aggregate classification (germline): Likely benign (1 of 4 stars; one submission).

Allele frequency attached by ClinVar (database versions not stated): 1000 Genomes Project 0.00379; 1000 Genomes Project 30x 0.00515; TOPMed 0.00632; gnomAD 0.00832 and 0.00841; gnomAD exomes 0.00895.
gnomAD v4.1: 4,145 of 477,378 alleles (0.87%); highest among the groups gnomAD compares: Non-Finnish European, 1%; 30 homozygotes.

Submission:

GeneDx
Classification: Likely benign. Last evaluated: 2018-06-14. Review status: criteria provided, single submitter. Criteria: GeneDx Variant Classification (06012015). Collection method: clinical testing. Allele origin: germline. Affected: yes.
Comment: This variant is considered likely benign or benign based on one or more of the following criteria: it is a conservative change, it occurs at a poorly conserved position in the protein, it is predicted to be benign by multiple in silico algorithms, and/or has population frequency not consistent with disease.